The following is an entry in ClinVar:

ClinVar aggregate classification (germline): Likely pathogenic (1 of 4 stars; one submission).

Conditions:
Autosomal recessive limb-girdle muscular dystrophy type 2J (LGMDR10). Also called: Limb-girdle muscular dystrophy, type 2J; MUSCULAR DYSTROPHY, LIMB-GIRDLE, AUTOSOMAL RECESSIVE 10. Identifiers: Orphanet 140922, MedGen C1837342, MONDO:0012127, OMIM 608807.
Dilated cardiomyopathy 1G (CMD1G). Identifiers: Orphanet 154, MedGen C1858763, MONDO:0011400, OMIM 604145.

Submission:

Labcorp Genetics (formerly Invitae), Labcorp
Classification: Likely pathogenic for Dilated cardiomyopathy 1G; Autosomal recessive limb-girdle muscular dystrophy type 2J. Last evaluated: 2023-04-20. Review status: criteria provided, single submitter. Criteria: Invitae Variant Classification Sherloc (09022015). Collection method: clinical testing. Allele origin: germline.
Comment: This variant has not been reported in the literature in individuals affected with TTN-related conditions. In summary, the currently available evidence indicates that the variant is pathogenic, but additional data are needed to prove that conclusively. Therefore, this variant has been classified as Likely Pathogenic. This variant is located in the A band of TTN (PMID: 25589632). Truncating variants in this region are significantly overrepresented in patients affected with dilated cardiomyopathy (PMID: 25589632). Truncating variants in this region have also been reported in individuals affected with autosomal recessive centronuclear myopathy (PMID: 23975875). This variant is not present in population databases (gnomAD no frequency). This sequence change creates a premature translational stop signal (p.Pro29326Leufs*75) in the TTN gene. While this is not anticipated to result in nonsense mediated decay, it is expected to create a truncated TTN protein.

Literature cited by the submitters: PubMed 25589632; PubMed 23975875.

NM_001267550.2(TTN):c.87977del (p.Pro29326fs)

Genes: TTN-AS1 (TTN antisense RNA 1; plus strand), TTN (titin; minus strand). Cytogenetic location: 2q31.2.
Variant type: Deletion.
Coding change: c.87977del on transcript NM_001267550.2 (MANE Select); coding-DNA position 87977, one base deleted (C; older notation c.87977delC).
Protein change: p.Pro29326fs; shifts the reading frame from proline 29326.
Molecular consequence: frameshift variant.
Genome position (GRCh38, 1-based): chr2:178,557,285, G deleted on the plus strand (C on the coding strand, the reverse complement: TTN is on the minus strand); the first of 2 consecutive G bases (chr2:178,557,285-178,557,286); deleting either gives the same sequence. VCF-style (leftmost placement, unchanged base first): chr2-178557284-AG-A. GRCh37 (hg19) VCF-style: chr2-179422011-AG-A.
Other names: c.83054del, p.Pro27685fs (NM_001256850.1); c.60782del, p.Pro20261fs (NM_003319.4); c.80273del, p.Pro26758fs (NM_133378.4); c.61157del, p.Pro20386fs (NM_133432.3); c.61358del, p.Pro20453fs (NM_133437.4); short protein forms P29326fs, P20261fs, P26758fs, P27685fs, P20386fs, P20453fs.
Identifiers: ClinVar variation 2932417 (VCV002932417.3), dbSNP rs2469522363, ClinGen allele CA2740096005.